The following is an entry in ClinVar:

ClinVar aggregate classification (germline): Benign/Likely benign. Review status: criteria provided, multiple submitters, no conflicts (2 of 4 stars). 4 submissions from 4 submitters: Benign (1); Likely benign (2). 1 of the submissions does not count toward it. Last evaluated 2026-02-02.

Conditions:
PCLO-related disorder. Also called: PCLO-related condition.
Inborn genetic diseases. Identifiers: MedGen C0950123, MeSH D030342.

Allele frequency attached by ClinVar (database versions not stated): gnomAD exomes 0.00030 and 0.00064; ExAC 0.00082; 1000 Genomes Project 30x 0.00265; ESP Exome Variant Server 0.00297; gnomAD 0.00308 and 0.00332; 1000 Genomes Project 0.00319; TOPMed 0.00336.
gnomAD v4.1: 928 of 1,613,876 alleles (0.058%); highest among the groups gnomAD compares: African/African-American, 1.1%; 7 homozygotes.

Submissions (4):

Labcorp Genetics (formerly Invitae), Labcorp
Classification: Benign. Last evaluated: 2026-02-02. Review status: criteria provided, single submitter. Criteria: Invitae Variant Classification Sherloc (09022015). Collection method: clinical testing. Allele origin: germline.

Ambry Genetics
Classification: Likely benign for Inborn genetic diseases. Last evaluated: 2025-08-02. Review status: criteria provided, single submitter. Criteria: Ambry Variant Classification Scheme 2023. Collection method: clinical testing. Allele origin: germline.

Blueprint Genetics
Classification: Likely benign. Last evaluated: 2024-10-08. Review status: criteria provided, single submitter. Criteria: ACMG Guidelines, 2015. Collection method: clinical testing. Allele origin: germline.

PreventionGenetics, part of Exact Sciences
Classification: Benign for PCLO-related condition. Last evaluated: 2020-03-06. Review status: no assertion criteria provided. Collection method: clinical testing. Allele origin: germline. Not counted in ClinVar's aggregate classification.
Comment: This variant is classified as benign based on ACMG/AMP sequence variant interpretation guidelines (Richards et al. 2015 PMID: 25741868, with internal and published modifications).

NM_033026.6(PCLO):c.8501C>T (p.Pro2834Leu)

Gene: PCLO (piccolo presynaptic cytomatrix protein; minus strand). Cytogenetic location: 7q21.11.
Variant type: single nucleotide variant.
Coding change: c.8501C>T on transcript NM_033026.6 (MANE Select); coding-DNA position 8501, C replaced by T.
Protein change: p.Pro2834Leu; replaces proline 2834 with leucine.
Molecular consequence: missense variant.
Genome position (GRCh38, 1-based): chr7:82,952,452, G>A on the plus strand (C>T on the coding strand, the complement: PCLO is on the minus strand). VCF-style: chr7-82952452-G-A. GRCh37 (hg19) VCF-style: chr7-82581768-G-A.
Other names: c.8501C>T, p.Pro2834Leu (NM_014510.3); c.8501C>T (NM_033026.5); short protein forms P2834L.
Identifiers: ClinVar variation 1164379 (VCV001164379.13), dbSNP rs79117792, ClinGen allele CA4320112.
Genomic context (GRCh38, chr7:82,952,452, plus strand): 5'-TTTATTGGTGCTTCTTCCCTAGCTATAGGAAAGACCTGGTCACTTGGTATCCTGTATGGG[G>A]GCTCAGCATGCTTTGATGTTGTAAGTTGGAGTGGTGTTGTCATTGCATGTTCTGCACCCA-3'
Protein context (NP_149015.2, residues 2824-2844): LQLTTSKHAE[Pro2834Leu]PYRIPSDQVF